The following is an entry in ClinVar:

NM_005591.4(MRE11):c.153+5G>A

Gene: MRE11 (MRE11 double strand break repair nuclease; minus strand). Cytogenetic location: 11q21.
Variant type: single nucleotide variant.
Coding change: c.153+5G>A on transcript NM_005591.4 (MANE Select); 5 bases into the intron after coding-DNA position 153, G replaced by A.
Molecular consequence: intron variant.
Genome position (GRCh38, 1-based): chr11:94,490,828, C>T on the plus strand (G>A on the coding strand, the complement: MRE11 is on the minus strand). VCF-style: chr11-94490828-C-T. GRCh37 (hg19) VCF-style: chr11-94223994-C-T.
Other names: c.153+5G>A (NM_001330347.2, NM_005590.4).
Identifiers: ClinVar variation 2891733 (VCV002891733.3), dbSNP rs2496652263, ClinGen allele CA2615599703.

ClinVar aggregate classification (germline): Uncertain significance (1 of 4 stars; one submission).

Conditions:
Ataxia-telangiectasia-like disorder (ATLD). Identifiers: MedGen C1858391, MONDO:0011457.

Allele frequency attached by ClinVar (database versions not stated): gnomAD exomes below 0.00001.
gnomAD v4.1: 1 of 1,613,590 alleles (0.000062%); highest among the groups gnomAD compares: Non-Finnish European, 0.000085%; no homozygotes.

Submission:

Labcorp Genetics (formerly Invitae), Labcorp
Classification: Uncertain significance for Ataxia-telangiectasia-like disorder. Last evaluated: 2022-11-25. Review status: criteria provided, single submitter. Criteria: Invitae Variant Classification Sherloc (09022015). Collection method: clinical testing. Allele origin: germline.
Comment: This variant is not present in population databases (gnomAD no frequency). This sequence change falls in intron 3 of the MRE11 gene. It does not directly change the encoded amino acid sequence of the MRE11 protein. It affects a nucleotide within the consensus splice site. This variant has not been reported in the literature in individuals affected with MRE11-related conditions. In summary, the available evidence is currently insufficient to determine the role of this variant in disease. Therefore, it has been classified as a Variant of Uncertain Significance. Variants that disrupt the consensus splice site are a relatively common cause of aberrant splicing (PMID: 17576681, 9536098). Algorithms developed to predict the effect of sequence changes on RNA splicing suggest that this variant may disrupt the consensus splice site.

Literature cited by the submitters: PubMed 17576681; PubMed 9536098.